The following is an entry in ClinVar:

ClinVar aggregate classification (germline): Benign. Review status: criteria provided, multiple submitters, no conflicts (2 of 4 stars). 2 submissions from 2 submitters: Benign (2). Last evaluated 2018-02-28.

Conditions:
SRD5A3-congenital disorder of glycosylation. Also called: CDG Iq; COLOBOMA, OCULAR, WITH ICHTHYOSIS, BRAIN MALFORMATIONS, AND ENDOCRINE ABNORMALITIES; Ocular colobomas, ichthyosis, brain malformations and endocrine abnormalities; Congenital disorder of glycosylation type 1Q; SRD5A3-CDG. Identifiers: Orphanet 324737, MedGen C4317224, MONDO:0012885, OMIM 612379.

Allele frequency attached by ClinVar (database versions not stated): gnomAD exomes 0.00113 and 0.00272; ExAC 0.00592; 1000 Genomes Project 0.01278; gnomAD 0.01377 and 0.01461; TOPMed 0.01499; 1000 Genomes Project 30x 0.01530.

Submissions (2):

GeneDx
Classification: Benign. Last evaluated: 2018-02-28. Review status: criteria provided, single submitter. Criteria: GeneDx Variant Classification (06012015). Collection method: clinical testing. Allele origin: germline. Affected: yes.
Comment: This variant is considered likely benign or benign based on one or more of the following criteria: it is a conservative change, it occurs at a poorly conserved position in the protein, it is predicted to be benign by multiple in silico algorithms, and/or has population frequency not consistent with disease.

Illumina Laboratory Services, Illumina
Classification: Benign for SRD5A3-congenital disorder of glycosylation. Last evaluated: 2018-01-13. Review status: criteria provided, single submitter. Criteria: ICSL Variant Classification Criteria 13 December 2019. Collection method: clinical testing. Allele origin: germline.
Comment: This variant was observed in the ICSL laboratory as part of a predisposition screen in an ostensibly healthy population. It had not been previously curated by ICSL or reported in the Human Gene Mutation Database (HGMD: prior to June 1st, 2018), and was therefore a candidate for classification through an automated scoring system. Utilizing variant allele frequency, disease prevalence and penetrance estimates, and inheritance mode, an automated score was calculated to assess if this variant is too frequent to cause the disease. Based on the score and internal cut-off values, a variant classified as benign is not then subjected to further curation. The score for this variant resulted in a classification of benign for this disease.

NM_024592.5(SRD5A3):c.-40G>A

Gene: SRD5A3 (steroid 5 alpha-reductase 3; plus strand). Cytogenetic location: 4q12.
Variant type: single nucleotide variant.
Coding change: c.-40G>A on transcript NM_024592.5 (MANE Select); 40 bases upstream of the start codon, G replaced by A.
Molecular consequence: 5 prime UTR variant.
Genome position (GRCh38, 1-based): chr4:55,346,297, G>A. VCF-style: chr4-55346297-G-A. GRCh37 (hg19) VCF-style: chr4-56212464-G-A.
Identifiers: ClinVar variation 349004 (VCV000349004.5), dbSNP rs111568566, ClinGen allele CA2925181.
Genomic context (GRCh38, chr4:55,346,297, plus strand): 5'-CCGCTAGGCTGAGACCGGTGCGCCGCGCGCTAGTGGCCGCTCTTCCGCGGGCTAGCGGGC[G>A]GTGGGGGCGCCAGCAGCGCGGAAGGCGGGCACGCGGGCCATGGCTCCCTGGGCGGAGGCC-3'